The following is an entry in ClinVar:

NM_003850.3(SUCLA2):c.45C>T (p.Thr15=)

Genes: SUCLA2 (succinate-CoA ligase ADP-forming subunit beta; minus strand), LOC130009747 (ATAC-STARR-seq lymphoblastoid active region 7719; plus strand). Cytogenetic location: 13q14.2.
Variant type: single nucleotide variant.
Coding change: c.45C>T on transcript NM_003850.3 (MANE Select); coding-DNA position 45, C replaced by T.
Protein change: p.Thr15=; no amino-acid change (threonine 15 retained).
Molecular consequence: synonymous variant.
Genome position (GRCh38, 1-based): chr13:48,001,225, G>A on the plus strand (C>T on the coding strand, the complement: SUCLA2 is on the minus strand). VCF-style: chr13-48001225-G-A. GRCh37 (hg19) VCF-style: chr13-48575361-G-A.
Other names: p.T15T:ACC>ACT; p.Thr15=.
Identifiers: ClinVar variation 139367 (VCV000139367.22), dbSNP rs35899901, ClinGen allele CA302692.

ClinVar aggregate classification (germline): Benign. Review status: criteria provided, multiple submitters, no conflicts (2 of 4 stars). 8 submissions from 8 submitters: Benign (8). Last evaluated 2026-02-01.

Conditions:
Mitochondrial DNA depletion syndrome, encephalomyopathic form with methylmalonic aciduria (MTDPS5). Also called: Mitochondrial encephalomyopathy aminoacidopathy; MITOCHONDRIAL DNA DEPLETION SYNDROME, ENCEPHALOMYOPATHIC FORM, WITH OR WITHOUT METHYLMALONIC ACIDURIA, AUTOSOMAL RECESSIVE, SUCLA2-RELATED; SUCLA2-Related Mitochondrial DNA Depletion Syndrome, Encephalomyopathic Form with Methylmalonic Aciduria; Mitochondrial DNA depletion syndrome 5 (encephalomyopathic with or without methylmalonic aciduria). Identifiers: Orphanet 1933, MedGen C5980207, MONDO:0012791, OMIM 612073.

Allele frequency attached by ClinVar (database versions not stated): gnomAD exomes 0.00047 and 0.00150; ExAC 0.00262; gnomAD 0.00577 and 0.00624; 1000 Genomes Project 0.00699; TOPMed 0.00729; 1000 Genomes Project 30x 0.00750.
gnomAD v4.1: 1,623 of 1,608,188 alleles (0.1%); highest among the groups gnomAD compares: African/African-American, 1.8%; 11 homozygotes.

Submissions (8):

Labcorp Genetics (formerly Invitae), Labcorp
Classification: Benign for Mitochondrial DNA depletion syndrome, encephalomyopathic form with methylmalonic aciduria. Last evaluated: 2026-02-01. Review status: criteria provided, single submitter. Criteria: Invitae Variant Classification Sherloc (09022015). Collection method: clinical testing. Allele origin: germline.

ARUP Laboratories, Molecular Genetics and Genomics, ARUP Laboratories
Classification: Benign for Mitochondrial DNA depletion syndrome, encephalomyopathic form with methylmalonic aciduria. Last evaluated: 2023-10-14. Review status: criteria provided, single submitter. Criteria: ARUP Molecular Germline Variant Investigation Process 2024. Collection method: clinical testing. Allele origin: germline.

Mayo Clinic Laboratories, Mayo Clinic
Classification: Benign. Last evaluated: 2023-01-31. Review status: criteria provided, single submitter. Criteria: ACMG Guidelines, 2015. Collection method: clinical testing. Allele origin: germline. Observed: 15 variant alleles.
Comment: BS1, BS2, BP4, BP7

Athena Diagnostics
Classification: Benign. Last evaluated: 2018-05-15. Review status: criteria provided, single submitter. Criteria: Athena Diagnostics Criteria. Collection method: clinical testing. Allele origin: germline.

Eurofins Ntd Llc (ga)
Classification: Benign. Last evaluated: 2015-05-22. Review status: criteria provided, single submitter. Criteria: EGL Classification Definitions 2015. Collection method: clinical testing. Allele origin: germline. Observed: 1 variant allele, 1 heterozygote.

GeneDx
Classification: Benign. Last evaluated: 2012-11-28. Review status: criteria provided, single submitter. Criteria: GeneDx Variant Classification (06012015). Collection method: clinical testing. Allele origin: germline. Affected: yes.
Comment: This variant is considered likely benign or benign based on one or more of the following criteria: it is a conservative change, it occurs at a poorly conserved position in the protein, it is predicted to be benign by multiple in silico algorithms, and/or has population frequency not consistent with disease.

Breakthrough Genomics
Classification: Benign. Review status: criteria provided, single submitter. Criteria: ACMG Guidelines, 2015. Collection method: not provided. Allele origin: germline. Inheritance: Autosomal recessive inheritance. Affected: yes.

PreventionGenetics, part of Exact Sciences
Classification: Benign. Review status: criteria provided, single submitter. Criteria: ACMG Guidelines, 2015. Collection method: clinical testing. Allele origin: germline.